The following is an entry in ClinVar:

NM_020987.5(ANK3):c.2850A>G (p.Thr950=)

Gene: ANK3 (ankyrin 3; minus strand). Cytogenetic location: 10q21.2.
Variant type: single nucleotide variant.
Coding change: c.2850A>G on transcript NM_020987.5 (MANE Select); coding-DNA position 2850, A replaced by G.
Protein change: p.Thr950=; no amino-acid change (threonine 950 retained).
Molecular consequence: synonymous variant.
Genome position (GRCh38, 1-based): chr10:60,114,323, T>C on the plus strand (A>G on the coding strand, the complement: ANK3 is on the minus strand). VCF-style: chr10-60114323-T-C. GRCh37 (hg19) VCF-style: chr10-61874081-T-C.
Other names: c.252A>G, p.Thr84= (NM_001149.4); c.2832A>G, p.Thr944= (NM_001204403.2); c.2853A>G, p.Thr951= (NM_001204404.2); c.2850A>G, p.Thr950= (NM_001320874.2).
Identifiers: ClinVar variation 719078 (VCV000719078.10), dbSNP rs546626279, ClinGen allele CA5512616.
Genomic context (GRCh38, chr10:60,114,323, plus strand): 5'-TAAGGTGTCTGCAGCCCAGCTGTAATGTCTAAGAGAATCTGAATCAAATTCCCTTGTGAA[T>C]GTTAGATGCTGAAAAATAAAATGGTAAATTAAATTACATCAACAAACCATACAAGACTGA-3'
Protein context (NP_066267.2, residues 940-960): LLVPSKEQHL[Thr950=]FTREFDSDSL

ClinVar aggregate classification (germline): Likely benign. Review status: criteria provided, single submitter (1 of 4 stars). 2 submissions from 2 submitters: Likely benign (1). 1 of the submissions does not count toward it. Last evaluated 2024-05-21.

Conditions:
ANK3-related disorder. Also called: ANK3-related condition.

Allele frequency attached by ClinVar (database versions not stated): TOPMed 0.00006; gnomAD exomes 0.00010 and 0.00007; 1000 Genomes Project 30x 0.00016; gnomAD 0.00004 and 0.00005; 1000 Genomes Project 0.00020; ExAC 0.00014.
gnomAD v4.1: 133 of 1,588,218 alleles (0.0084%); highest among the groups gnomAD compares: East Asian, 0.25%; no homozygotes.

Submissions (2):

Labcorp Genetics (formerly Invitae), Labcorp
Classification: Likely benign. Last evaluated: 2024-05-21. Review status: criteria provided, single submitter. Criteria: Invitae Variant Classification Sherloc (09022015). Collection method: clinical testing. Allele origin: germline.

PreventionGenetics, part of Exact Sciences
Classification: Likely benign for ANK3-related condition. Last evaluated: 2019-03-26. Review status: no assertion criteria provided. Collection method: clinical testing. Allele origin: germline. Not counted in ClinVar's aggregate classification.
Comment: This variant is classified as likely benign based on ACMG/AMP sequence variant interpretation guidelines (Richards et al. 2015 PMID: 25741868, with internal and published modifications).